The following is an entry in ClinVar:

NM_005633.4(SOS1):c.2571G>T (p.Glu857Asp)

Gene: SOS1 (SOS Ras/Rac guanine nucleotide exchange factor 1; minus strand). Cytogenetic location: 2p22.1.
Variant type: single nucleotide variant.
Coding change: c.2571G>T on transcript NM_005633.4 (MANE Select); coding-DNA position 2571, G replaced by T.
Protein change: p.Glu857Asp; replaces glutamic acid 857 with aspartic acid.
Molecular consequence: missense variant.
Genome position (GRCh38, 1-based): chr2:39,007,133, C>A on the plus strand (G>T on the coding strand, the complement: SOS1 is on the minus strand). VCF-style: chr2-39007133-C-A. GRCh37 (hg19) VCF-style: chr2-39234274-C-A.
Other names: c.2550G>T, p.Glu850Asp (NM_001382394.1); c.2571G>T, p.Glu857Asp (NM_001382395.1); short protein forms E857D, E850D.
Identifiers: ClinVar variation 2865030 (VCV002865030.3), dbSNP rs757460662, ClinGen allele CA346363542.

ClinVar aggregate classification (germline): Uncertain significance (1 of 4 stars; one submission).

Conditions:
RASopathy. Also called: rasopathies; Noonan spectrum disorder. Identifiers: Orphanet 536391, MedGen C5555857, MONDO:0021060.

Submission:

Labcorp Genetics (formerly Invitae), Labcorp
Classification: Uncertain significance for RASopathy. Last evaluated: 2022-12-07. Review status: criteria provided, single submitter. Criteria: Invitae Variant Classification Sherloc (09022015). Collection method: clinical testing. Allele origin: germline.
Comment: In summary, the available evidence is currently insufficient to determine the role of this variant in disease. Therefore, it has been classified as a Variant of Uncertain Significance. Advanced modeling of protein sequence and biophysical properties (such as structural, functional, and spatial information, amino acid conservation, physicochemical variation, residue mobility, and thermodynamic stability) performed at Invitae indicates that this missense variant is not expected to disrupt SOS1 protein function. This variant has not been reported in the literature in individuals affected with SOS1-related conditions. This variant is not present in population databases (gnomAD no frequency). This sequence change replaces glutamic acid, which is acidic and polar, with aspartic acid, which is acidic and polar, at codon 857 of the SOS1 protein (p.Glu857Asp).